The following is an entry in ClinVar:

NM_015330.6(SPECC1L):c.996A>G (p.Thr332=)

Genes: SPECC1L (sperm antigen with calponin homology and coiled-coil domains 1 like; plus strand), SPECC1L-ADORA2A (SPECC1L-ADORA2A readthrough (NMD candidate); plus strand). Cytogenetic location: 22q11.23.
Variant type: single nucleotide variant.
Coding change: c.996A>G on transcript NM_015330.6 (MANE Select); coding-DNA position 996, A replaced by G.
Protein change: p.Thr332=; no amino-acid change (threonine 332 retained).
Molecular consequence: synonymous variant. On other transcripts: non-coding transcript variant (1).
Genome position (GRCh38, 1-based): chr22:24,321,976, A>G. VCF-style: chr22-24321976-A-G. GRCh37 (hg19) VCF-style: chr22-24717944-A-G.
Other names: c.996A>G, p.Thr332= (NM_001145468.4, NM_001254732.3).
Identifiers: ClinVar variation 3036084 (VCV003036084.2), dbSNP rs201628819, ClinGen allele CA10152051.
Genomic context (GRCh38, chr22:24,321,976, plus strand): 5'-TTCAGTGGAAGGCTCTGCCCCTGGCTCAGTGGAGGATCTCTTGAGTCAGGATGAAAATAC[A>G]CTAATGGACCATCAGCACAGTAACTCCATGGACAATTTAGACAGTGAGTGCAGTGAGGTC-3'
Protein context (NP_056145.5, residues 322-342): VEDLLSQDEN[Thr332=]LMDHQHSNSM

ClinVar aggregate classification (germline): Likely benign (0 of 4 stars; one submission).

Conditions:
SPECC1L-related disorder. Also called: SPECC1L-related condition.

Allele frequency attached by ClinVar (database versions not stated): gnomAD exomes 0.00001; TOPMed 0.00001; ESP Exome Variant Server 0.00008.
gnomAD v4.1: 10 of 1,614,212 alleles (0.00062%); highest among the groups gnomAD compares: Non-Finnish European, 0.00085%; no homozygotes.

Submission:

PreventionGenetics, part of Exact Sciences
Classification: Likely benign for SPECC1L-related condition. Last evaluated: 2022-12-20. Review status: no assertion criteria provided. Collection method: clinical testing. Allele origin: germline.
Comment: This variant is classified as likely benign based on ACMG/AMP sequence variant interpretation guidelines (Richards et al. 2015 PMID: 25741868, with internal and published modifications).